The following is an entry in ClinVar:

ClinVar aggregate classification (germline): Uncertain significance (1 of 4 stars; one submission).

Conditions:
Wilms tumor 1 (WT1). Also called: Wilms tumor, somatic. Identifiers: Orphanet 654, MedGen CN033288, MONDO:0008679, OMIM 194070.

Submission:

Labcorp Genetics (formerly Invitae), Labcorp
Classification: Uncertain significance for Wilms tumor 1. Last evaluated: 2017-05-09. Review status: criteria provided, single submitter. Criteria: Invitae Variant Classification Sherloc (09022015). Collection method: clinical testing. Allele origin: germline.
Comment: In summary, this variant is a novel missense change with uncertain impact on protein function. It has been classified as a Variant of Uncertain Significance. Algorithms developed to predict the effect of missense changes on protein structure and function do not agree on the potential impact of this missense change (SIFT: "Deleterious"; PolyPhen-2: "Benign"; Align-GVGD: "Class C0"). This variant is not present in population databases (ExAC no frequency) and has not been reported in the literature in individuals with a GPC3-related disease. This sequence change replaces glutamine with glutamic acid at codon 444 of the GPC3 protein (p.Gln444Glu). The glutamine residue is moderately conserved and there is a small physicochemical difference between glutamine and glutamic acid.

NM_004484.4(GPC3):c.1330C>G (p.Gln444Glu)

Gene: GPC3 (glypican 3; minus strand). Cytogenetic location: Xq26.2.
Variant type: single nucleotide variant.
Coding change: c.1330C>G on transcript NM_004484.4 (MANE Select); coding-DNA position 1330, C replaced by G.
Protein change: p.Gln444Glu; replaces glutamine 444 with glutamic acid.
Molecular consequence: missense variant.
Genome position (GRCh38, 1-based): chrX:133,661,813, G>C on the plus strand (C>G on the coding strand, the complement: GPC3 is on the minus strand). VCF-style: chrX-133661813-G-C. GRCh37 (hg19) VCF-style: chrX-132795841-G-C.
Other names: c.1399C>G, p.Gln467Glu (NM_001164617.2); c.1282C>G, p.Gln428Glu (NM_001164618.2); c.1168C>G, p.Gln390Glu (NM_001164619.2); short protein forms Q444E, Q390E, Q467E, Q428E.
Identifiers: ClinVar variation 476647 (VCV000476647.9), dbSNP rs1556233629, ClinGen allele CA414704691.
Genomic context (GRCh38, chrX:133,661,813, plus strand): 5'-CAATAATTTGACTGACCACTGGCTCAGGGCCCTTCATTTTCAGCTCATGGAGATTGAACT[G>C]GTTTTTCATTCCATTCCTTGCTGCCTTTTGGCTGTATCTGTAAAGGTGAAGGTAAAGAAA-3'
Protein context (NP_004475.1, residues 434-454): QKAARNGMKN[Gln444Glu]FNLHELKMKG